The following is an entry in ClinVar:

NM_000478.6(ALPL):c.815G>A (p.Arg272His)

Gene: ALPL (alkaline phosphatase, biomineralization associated; plus strand). Cytogenetic location: 1p36.12.
Variant type: single nucleotide variant.
Coding change: c.815G>A on transcript NM_000478.6 (MANE Select); coding-DNA position 815, G replaced by A.
Protein change: p.Arg272His; replaces arginine 272 with histidine.
Molecular consequence: missense variant.
Genome position (GRCh38, 1-based): chr1:21,570,327, G>A. VCF-style: chr1-21570327-G-A. GRCh37 (hg19) VCF-style: chr1-21896820-G-A.
Other names: c.650G>A, p.Arg217His (NM_001127501.4); c.584G>A, p.Arg195His (NM_001177520.3); c.815G>A, p.Arg272His (NM_001369803.2, NM_001369804.2, NM_001369805.2); short protein forms R272H, R217H, R195H.
Identifiers: ClinVar variation 495882 (VCV000495882.22), dbSNP rs781272386, ClinGen allele CA666626.

ClinVar aggregate classification (germline): Pathogenic/Likely pathogenic. Review status: criteria provided, multiple submitters, no conflicts (2 of 4 stars). 11 submissions from 11 submitters: Pathogenic (7); Likely pathogenic (3). 1 of the submissions does not count toward it. Last evaluated 2026-03-10.

Conditions:
Childhood hypophosphatasia. Identifiers: Orphanet 247667, Orphanet 436, MedGen C0220743, MONDO:1010168, OMIM 241510, MONDO:0009428.
Infantile hypophosphatasia. Identifiers: Orphanet 247651, Orphanet 436, MedGen C0268412, MONDO:1010169, OMIM 241500, MONDO:0009427.
Adult hypophosphatasia. Identifiers: Orphanet 247676, Orphanet 436, MedGen C0268413, MONDO:1010154, OMIM 146300, MONDO:0007798.
Osteogenesis imperfecta (OI). Identifiers: Orphanet 666, MedGen C0029434, MeSH D010013, MONDO:0019019.
Hypophosphatasia. Also called: Phosphoethanol-aminuria. Identifiers: Orphanet 436, MedGen C0020630, MeSH D007014, MONDO:0018570.

Allele frequency attached by ClinVar (database versions not stated): gnomAD 0.00002.
gnomAD v4.1: 11 of 1,613,918 alleles (0.00068%); highest among the groups gnomAD compares: South Asian, 0.0022%; no homozygotes.

Submissions (11):

Clinical Biomedical Laboratory, Shriners Hospital For Children - Canada
Classification: Pathogenic for Childhood hypophosphatasia. Last evaluated: 2026-03-10. Review status: criteria provided, single submitter. Criteria: ACMG Guidelines, 2015. Collection method: clinical testing. Allele origin: germline. Affected: yes.
Comment: This variant is very rare in the Genome Aggregation Database, v2.1.1. This specific variant has been reported in the literature in individuals diagnosed with hypophosphatasia (PMID:11760847, 10332035). Based on the ACMG variant interpretation guidelines, the available evidence supports classification of this variant as pathogenic.

Myriad Genetics, Inc.
Classification: Likely pathogenic for Hypophosphatasia. Last evaluated: 2026-01-13. Review status: criteria provided, single submitter. Criteria: Myriad Autosomal Dominant, Autosomal Recessive and X-Linked Classification Criteria (2023). Collection method: clinical testing. Allele origin: unknown.
Comment: NM_000478.4(ALPL):c.815G>A(R272H) is a missense variant classified as likely pathogenic in the context of hypophosphatasia. R272H has been observed in cases with relevant disease (PMID: 28663156, 15694177, 32973344, 32160374). Relevant functional assessments of this variant are available in the literature (PMID: 32160374, 15694177). R272H has been observed in referenced population frequency databases. In summary, NM_000478.4(ALPL):c.815G>A(R272H) is a missense variant that has functional support for pathogenicity and has been observed more frequently in cases with the relevant disease than in healthy populations. Please note: this variant was assessed in the context of healthy population screening.

Labcorp Genetics (formerly Invitae), Labcorp
Classification: Pathogenic. Last evaluated: 2025-12-13. Review status: criteria provided, single submitter. Criteria: Invitae Variant Classification Sherloc (09022015). Collection method: clinical testing. Allele origin: germline.
Comment: This sequence change replaces arginine, which is basic and polar, with histidine, which is basic and polar, at codon 272 of the ALPL protein (p.Arg272His). This variant is present in population databases (rs781272386, gnomAD 0.003%). This missense change has been observed in individual(s) with clinical features of autosomal dominant and recessive ALPL-related conditions (PMID: 15694177, 28663156, 29236161). This variant is also known as R255H. ClinVar contains an entry for this variant (Variation ID: 495882). Invitae Evidence Modeling of protein sequence and biophysical properties (such as structural, functional, and spatial information, amino acid conservation, physicochemical variation, residue mobility, and thermodynamic stability) indicates that this missense variant is expected to disrupt ALPL protein function with a positive predictive value of 95%. Experimental studies have shown that this missense change affects ALPL function (PMID: 15694177). This variant disrupts the p.Arg272 amino acid residue in ALPL. Other variant(s) that disrupt this residue have been determined to be pathogenic (PMID: 17253930, 18559907, 24276437, 24378058). This suggests that this residue is clinically significant, and that variants that disrupt this residue are likely to be disease-causing. For these reasons, this variant has been classified as Pathogenic.

Genomenon, Inc
Classification: Pathogenic for Hypophosphatasia. Last evaluated: 2025-08-29. Review status: criteria provided, single submitter. Criteria: Genomenon Sequence Variant Interpretation Standards. Collection method: curation. Allele origin: germline. Affected: yes.
Comment: ALPL c.815G>A is a missense variant that changes the amino acid at residue 272 from Arginine to Histidine. This variant has been observed in at least one proband affected with hypophosphatasia (PMID:29236161;28663156;15694177;19500388). At least one functional study has demonstrated a substantial alteration in protein function relative to the wild-type (PMID:15694177). This variant has also been described as Arg255His in the literature. It is absent or not present at a significant frequency in gnomAD. In silico models agree that this variant is possibly or probably damaging. In conclusion, we classify ALPL p.Arg272His (c.815G>A) as a pathogenic variant.

Fulgent Genetics
Classification: Likely pathogenic for Adult hypophosphatasia; Infantile hypophosphatasia; Childhood hypophosphatasia. Last evaluated: 2024-06-18. Review status: criteria provided, single submitter. Criteria: ACMG Guidelines, 2015. Collection method: clinical testing. Allele origin: germline.

Baylor Genetics
Classification: Pathogenic for Adult hypophosphatasia. Last evaluated: 2024-03-19. Review status: criteria provided, single submitter. Criteria: ACMG Guidelines, 2015. Collection method: clinical testing. Allele origin: unknown.

ARUP Laboratories, Molecular Genetics and Genomics, ARUP Laboratories
Classification: Pathogenic. Last evaluated: 2023-02-24. Review status: criteria provided, single submitter. Criteria: ARUP Molecular Germline Variant Investigation Process 2024. Collection method: clinical testing. Allele origin: germline.
Comment: The ALPL c.815G>A; p.Arg272His variant (rs781272386), also known as R255H, is reported in the literature in individuals affected with autosomal dominant and recessive hypophosphatasia (Brun-Heath 2005, Saglam 2017, Taillandier 2018). This variant is also reported in ClinVar (Variation ID: 495882) and is found in the non-Finnish European population with an allele frequency of 0.003% (4/129072 alleles) in the Genome Aggregation Database. Additionally, other variants at this codon (c.814C>T, p.Arg272Cys; c.815G>T, p.Arg272Leu) have been reported in individuals with ALPL- related conditions and are considered pathogenic (Del Angel 2020, Zhang 2021). Functional analyses of the variant protein show reduced enzyme activity (Brun-Heath 2005, Del Angel 2020). Computational analyses predict that this variant is deleterious (REVEL: 0.896). Based on available information, this variant is considered to be pathogenic. References: Brun-Heath I et al. Characterization of 11 novel mutations in the tissue non-specific alkaline phosphatase gene responsible for hypophosphatasia and genotype-phenotype correlations. Mol Genet Metab. 2005 Mar;84(3):273-7. PMID: 15694177. Del Angel G et al. Large-scale in vitro functional testing and novel variant scoring via protein modeling provide insights into alkaline phosphatase activity in hypophosphatasia. Hum Mutat. 2020 Jul;41(7):1250-1262. PMID: 32160374. Saglam H et al. Clinical and Genetic Findings of Turkish Hypophosphatasia Cases. J Clin Res Pediatr Endocrinol. 2017 Sep 1;9(3):229-236. PMID: 28663156. Taillandier A et al. Genetic analysis of adults heterozygous for ALPL mutations. J Bone Miner Metab. 2018 Nov;36(6):723-733. PMID: 29236161. Zhang L et al. Molecular diagnosis for 55 fetuses with skeletal dysplasias by whole-exome sequencing: A retrospective cohort study. Clin Genet. 2021 Aug;100(2):219-226. PMID: 33942288.

Genome Diagnostics Laboratory, The Hospital for Sick Children
Classification: Pathogenic for Osteogenesis imperfecta. Last evaluated: 2022-06-14. Review status: criteria provided, single submitter. Criteria: ACMG Guidelines, 2015. Collection method: clinical testing. Allele origin: germline.

GeneDx
Classification: Pathogenic. Last evaluated: 2020-03-02. Review status: criteria provided, single submitter. Criteria: GeneDx Variant Classification Process June 2021. Collection method: clinical testing. Allele origin: germline. Affected: yes.
Comment: Published functional studies demonstrate a damaging effect (Brun-Heath et al., 2005); Not observed at a significant frequency in large population cohorts (Lek et al., 2016); In silico analysis supports that this missense variant has a deleterious effect on protein structure/function; This variant is associated with the following publications: (PMID: 32160374, 29236161, 28663156, 19500388, 15694177)

Women's Health and Genetics/Laboratory Corporation of America, LabCorp
Classification: Likely pathogenic for Hypophosphatasia. Last evaluated: 2017-07-12. Review status: criteria provided, single submitter. Criteria: LabCorp Variant Classification Summary - May 2015. Collection method: clinical testing. Allele origin: germline.
Comment: Variant summary: The ALPL c.815G>A (p.Arg272His) variant (alternatively also known as R255H) involves the alteration of a conserved nucleotide, resulting in a missense change residing in the alkaline-phosphatase-like core domain (InterPro). 3/3 in silico tools predict damaging outcome for this variant. This variant was found in the large control database ExAC at a frequency of 0.0000083 (1/120878 control chromosomes), which does not exceed the estimated maximal expected allele frequency of a pathogenic ALPL variant (0.0035355). The variant has been identified in a homozgous patient with hypophosphatasia (HPP), with in vitro functional studies showing that residual enzyme activity is < 10% of WT levels (Brun-Heath_MGM_2005). In addition, molecular modeling suggests the variant lies within a conserved calcium-binding domain, which is supported by the fact that several variants at the same codon are found in HPP patients (R272C, R272L), suggesting the residue is critical for protein function. The variant has not been classified in reputable databases or by clinical diagnostics laboratories. Taken together, this variant is classified as likely pathogenic until additional HPP patients with the variant are identified.

Counsyl
Classification: Likely pathogenic for Infantile hypophosphatasia. Last evaluated: 2018-05-09. Review status: no assertion criteria provided. Collection method: clinical testing. Allele origin: unknown. Not counted in ClinVar's aggregate classification.

Literature cited by the submitters: PubMed 11760847 (cited by Clinical Biomedical Laboratory, Shriners Hospital For Children - Canada); PubMed 10332035 (cited by Clinical Biomedical Laboratory, Shriners Hospital For Children - Canada); PubMed 15694177 (cited by 5 submitters); PubMed 28663156 (cited by 4 submitters); PubMed 32160374 (cited by Myriad Genetics, Inc.); PubMed 32973344 (cited by Myriad Genetics, Inc.); PubMed 29236161 (cited by Labcorp Genetics (formerly Invitae), Labcorp and Genomenon, Inc); PubMed 17253930 (cited by Labcorp Genetics (formerly Invitae), Labcorp); PubMed 18559907 (cited by Labcorp Genetics (formerly Invitae), Labcorp); PubMed 24276437 (cited by Labcorp Genetics (formerly Invitae), Labcorp); PubMed 24378058 (cited by Labcorp Genetics (formerly Invitae), Labcorp); PubMed 19500388 (cited by 3 submitters).